The following is an entry in ClinVar:

NM_198525.3(KIF7):c.1120G>T (p.Gly374Cys)

Gene: KIF7 (kinesin family member 7; minus strand). Cytogenetic location: 15q26.1.
Variant type: single nucleotide variant.
Coding change: c.1120G>T on transcript NM_198525.3 (MANE Select); coding-DNA position 1120, G replaced by T.
Protein change: p.Gly374Cys; replaces glycine 374 with cysteine.
Molecular consequence: missense variant.
Genome position (GRCh38, 1-based): chr15:89,648,578, C>A on the plus strand (G>T on the coding strand, the complement: KIF7 is on the minus strand). VCF-style: chr15-89648578-C-A. GRCh37 (hg19) VCF-style: chr15-90191809-C-A.
Other names: short protein forms G374C.
Identifiers: ClinVar variation 1469829 (VCV001469829.3), dbSNP rs1233260819, ClinGen allele CA393772388.

ClinVar aggregate classification (germline): Uncertain significance (1 of 4 stars; one submission).

Conditions:
Acrocallosal syndrome (ACLS). Also called: Schinzel syndrome 1; Absence of corpus callosum with unusual facial appearance, mental deficiency, duplication of the halluces and polydactyly; HALLUX DUPLICATION, POSTAXIAL POLYDACTYLY, AND ABSENCE OF CORPUS CALLOSUM. Identifiers: Orphanet 36, MedGen C0796147, MONDO:0008708, OMIM 200990.

Allele frequency attached by ClinVar (database versions not stated): TOPMed 0.00003; gnomAD exomes 0.00004.

Submission:

Labcorp Genetics (formerly Invitae), Labcorp
Classification: Uncertain significance for Acrocallosal syndrome. Last evaluated: 2022-11-01. Review status: criteria provided, single submitter. Criteria: Invitae Variant Classification Sherloc (09022015). Collection method: clinical testing. Allele origin: germline.
Comment: This sequence change replaces glycine, which is neutral and non-polar, with cysteine, which is neutral and slightly polar, at codon 374 of the KIF7 protein (p.Gly374Cys). This variant is present in population databases (no rsID available, gnomAD 0.02%). This variant has not been reported in the literature in individuals affected with KIF7-related conditions. ClinVar contains an entry for this variant (Variation ID: 1469829). Advanced modeling of protein sequence and biophysical properties (such as structural, functional, and spatial information, amino acid conservation, physicochemical variation, residue mobility, and thermodynamic stability) performed at Invitae indicates that this missense variant is not expected to disrupt KIF7 protein function. In summary, the available evidence is currently insufficient to determine the role of this variant in disease. Therefore, it has been classified as a Variant of Uncertain Significance.